The following is an entry in ClinVar:

ClinVar aggregate classification (germline): Uncertain significance (1 of 4 stars; one submission).

Conditions:
Inborn genetic diseases. Identifiers: MedGen C0950123, MeSH D030342.

Submission:

Ambry Genetics
Classification: Uncertain significance for Inborn genetic diseases. Last evaluated: 2021-03-03. Review status: criteria provided, single submitter. Criteria: Ambry Variant Classification Scheme 2023. Collection method: clinical testing. Allele origin: germline.
Comment: The c.1027G>C (p.D343H) alteration is located in exon 1 (coding exon 1) of the MGAT2 gene. This alteration results from a G to C substitution at nucleotide position 1027, causing the aspartic acid (D) at amino acid position 343 to be replaced by a histidine (H). The p.D343H alteration is predicted to be deleterious by in silico analysis. Based on insufficient or conflicting evidence, the clinical significance of this alteration remains unclear.

NM_002408.4(MGAT2):c.1027G>C (p.Asp343His)

Gene: MGAT2 (alpha-1,6-mannosyl-glycoprotein 2-beta-N-acetylglucosaminyltransferase; plus strand). Cytogenetic location: 14q21.3.
Variant type: single nucleotide variant.
Coding change: c.1027G>C on transcript NM_002408.4 (MANE Select); coding-DNA position 1027, G replaced by C.
Protein change: p.Asp343His; replaces aspartic acid 343 with histidine.
Molecular consequence: missense variant.
Genome position (GRCh38, 1-based): chr14:49,622,295, G>C. VCF-style: chr14-49622295-G-C. GRCh37 (hg19) VCF-style: chr14-50089013-G-C.
Other names: short protein forms D343H.
Identifiers: ClinVar variation 2229454 (VCV002229454.2), dbSNP rs2502744693, ClinGen allele CA389621396.